The following is an entry in ClinVar:

ClinVar aggregate classification (germline): Uncertain significance (1 of 4 stars; one submission).

Conditions:
CHARGE syndrome (CHARGE). Also called: Coloboma, heart anomaly, choanal atresia, retardation, genital and ear anomalies; CHARGE association; Hall-Hittner syndrome; Hittner Hirsch Kreh syndrome; CHARGE ASSOCIATION--COLOBOMA, HEART ANOMALY, CHOANAL ATRESIA, RETARDATION, GENITAL AND EAR ANOMALIES. Identifiers: Orphanet 138, MedGen C0265354, MONDO:0008965.

Allele frequency attached by ClinVar (database versions not stated): TOPMed below 0.00001; gnomAD 0.00001.
gnomAD v4.1: 1 of 1,613,764 alleles (0.000062%); highest among the groups gnomAD compares: Non-Finnish European, 0.000085%; no homozygotes.

Submission:

Labcorp Genetics (formerly Invitae), Labcorp
Classification: Uncertain significance for CHARGE syndrome. Last evaluated: 2022-08-30. Review status: criteria provided, single submitter. Criteria: Invitae Variant Classification Sherloc (09022015). Collection method: clinical testing. Allele origin: germline.
Comment: This variant is not present in population databases (gnomAD no frequency). This variant has not been reported in the literature in individuals affected with CHD7-related conditions. ClinVar contains an entry for this variant (Variation ID: 1427416). Advanced modeling of protein sequence and biophysical properties (such as structural, functional, and spatial information, amino acid conservation, physicochemical variation, residue mobility, and thermodynamic stability) performed at Invitae indicates that this missense variant is not expected to disrupt CHD7 protein function. In summary, the available evidence is currently insufficient to determine the role of this variant in disease. Therefore, it has been classified as a Variant of Uncertain Significance. This sequence change replaces aspartic acid, which is acidic and polar, with glutamic acid, which is acidic and polar, at codon 951 of the CHD7 protein (p.Asp951Glu).

NM_017780.4(CHD7):c.2853T>A (p.Asp951Glu)

Gene: CHD7 (chromodomain helicase DNA binding protein 7; plus strand). Cytogenetic location: 8q12.2.
Variant type: single nucleotide variant.
Coding change: c.2853T>A on transcript NM_017780.4 (MANE Select); coding-DNA position 2853, T replaced by A.
Protein change: p.Asp951Glu; replaces aspartic acid 951 with glutamic acid.
Molecular consequence: missense variant. On other transcripts: intron variant (1).
Genome position (GRCh38, 1-based): chr8:60,822,041, T>A. VCF-style: chr8-60822041-T-A. GRCh37 (hg19) VCF-style: chr8-61734600-T-A.
Other names: c.1717-40188T>A (NM_001316690.1); short protein forms D951E.
Identifiers: ClinVar variation 1427416 (VCV001427416.6), dbSNP rs1804067183, ClinGen allele CA371308143.